The following is an entry in ClinVar:

ClinVar aggregate classification (germline): Uncertain significance (1 of 4 stars; one submission).

Conditions:
Familial focal epilepsy with variable foci (FPEVF). Identifiers: Orphanet 98820, MedGen C1858477, MONDO:0020310.

Allele frequency attached by ClinVar (database versions not stated): gnomAD exomes 0.00001; ExAC 0.00002.
gnomAD v4.1: 3 of 1,614,086 alleles (0.00019%); highest among the groups gnomAD compares: South Asian, 0.0033%; 1 homozygote.

Submission:

Labcorp Genetics (formerly Invitae), Labcorp
Classification: Uncertain significance for Familial focal epilepsy with variable foci. Last evaluated: 2023-05-20. Review status: criteria provided, single submitter. Criteria: Invitae Variant Classification Sherloc (09022015). Collection method: clinical testing. Allele origin: germline.
Comment: This sequence change replaces cysteine, which is neutral and slightly polar, with serine, which is neutral and polar, at codon 1580 of the DEPDC5 protein (p.Cys1580Ser). This variant is not present in population databases (gnomAD no frequency). This variant has not been reported in the literature in individuals affected with DEPDC5-related conditions. Experimental studies and prediction algorithms are not available or were not evaluated, and the functional significance of this variant is currently unknown. In summary, the available evidence is currently insufficient to determine the role of this variant in disease. Therefore, it has been classified as a Variant of Uncertain Significance.

NM_001242896.3(DEPDC5):c.4739G>C (p.Cys1580Ser)

Gene: DEPDC5 (DEP domain containing 5, GATOR1 subcomplex subunit; plus strand). Cytogenetic location: 22q12.3.
Variant type: single nucleotide variant.
Coding change: c.4739G>C on transcript NM_001242896.3 (MANE Select); coding-DNA position 4739, G replaced by C.
Protein change: p.Cys1580Ser; replaces cysteine 1580 with serine.
Molecular consequence: missense variant. On other transcripts: non-coding transcript variant (5).
Genome position (GRCh38, 1-based): chr22:31,906,424, G>C. VCF-style: chr22-31906424-G-C. GRCh37 (hg19) VCF-style: chr22-32302410-G-C.
Other names: c.4712G>C, p.Cys1571Ser (NM_001136029.4); c.4439G>C, p.Cys1480Ser (NM_001242897.2); c.4673G>C, p.Cys1558Ser (NM_001363852.2, NM_001364320.2); c.4505G>C, p.Cys1502Ser (NM_001363854.2, NM_001364319.2); c.4739G>C, p.Cys1580Ser (NM_001364318.2); c.4655G>C, p.Cys1552Ser (NM_001369901.1, NM_001369902.1); c.4646G>C, p.Cys1549Ser (NM_001369903.1, NM_014662.6); short protein forms C1480S, C1549S, C1552S, C1558S, C1571S, C1502S, C1580S.
Identifiers: ClinVar variation 2988910 (VCV002988910.3), dbSNP rs776213050, ClinGen allele CA10197326.